The following is an entry in ClinVar:

NM_004369.4(COL6A3):c.3044C>T (p.Ser1015Leu)

Gene: COL6A3 (collagen type VI alpha 3 chain; minus strand). Cytogenetic location: 2q37.3.
Variant type: single nucleotide variant.
Coding change: c.3044C>T on transcript NM_004369.4 (MANE Select); coding-DNA position 3044, C replaced by T.
Protein change: p.Ser1015Leu; replaces serine 1015 with leucine.
Molecular consequence: missense variant.
Genome position (GRCh38, 1-based): chr2:237,376,798, G>A on the plus strand (C>T on the coding strand, the complement: COL6A3 is on the minus strand). VCF-style: chr2-237376798-G-A. GRCh37 (hg19) VCF-style: chr2-238285441-G-A.
Other names: c.1823C>T, p.Ser608Leu (NM_057164.5); c.2426C>T, p.Ser809Leu (NM_057165.5, NM_057167.4); c.1223C>T, p.Ser408Leu (NM_057166.5); short protein forms S408L, S1015L, S809L, S608L.
Identifiers: ClinVar variation 945635 (VCV000945635.10), dbSNP rs2077853056, ClinGen allele CA351206799.

ClinVar aggregate classification (germline): Uncertain significance (1 of 4 stars; one submission).

Conditions:
Bethlem myopathy 1A. Also called: Bethlem Muscular Dystrophy; MYOPATHY, BENIGN CONGENITAL, WITH CONTRACTURES; Bethlem myopathy 1. Identifiers: Orphanet 610, MedGen CN029274, MONDO:0024530, OMIM 158810.

Submission:

Labcorp Genetics (formerly Invitae), Labcorp
Classification: Uncertain significance for Bethlem myopathy 1A. Last evaluated: 2019-07-28. Review status: criteria provided, single submitter. Criteria: Invitae Variant Classification Sherloc (09022015). Collection method: clinical testing. Allele origin: germline.
Comment: In summary, the available evidence is currently insufficient to determine the role of this variant in disease. Therefore, it has been classified as a Variant of Uncertain Significance. Algorithms developed to predict the effect of missense changes on protein structure and function (SIFT, PolyPhen-2, Align-GVGD) all suggest that this variant is likely to be tolerated, but these predictions have not been confirmed by published functional studies and their clinical significance is uncertain. This variant has not been reported in the literature in individuals with COL6A3-related conditions. This variant is not present in population databases (ExAC no frequency). This sequence change replaces serine with leucine at codon 1015 of the COL6A3 protein (p.Ser1015Leu). The serine residue is moderately conserved and there is a large physicochemical difference between serine and leucine.